The following is an entry in ClinVar:

ClinVar aggregate classification (germline): Uncertain significance (1 of 4 stars; one submission).

Conditions:
Combined immunodeficiency due to CTPS1 deficiency. Also called: Immunodeficiency 24; Severe combined immunodeficiency due to CTPS1 deficiency. Identifiers: Orphanet 420573, MedGen C4014617, MONDO:0014391, OMIM 615897.

Allele frequency attached by ClinVar (database versions not stated): TOPMed below 0.00001; gnomAD 0.00001.
gnomAD v4.1: 3 of 1,567,406 alleles (0.00019%); highest among the groups gnomAD compares: East Asian, 0.0023%; no homozygotes.

Submission:

Labcorp Genetics (formerly Invitae), Labcorp
Classification: Uncertain significance for Combined immunodeficiency due to CTPS1 deficiency. Last evaluated: 2022-06-20. Review status: criteria provided, single submitter. Criteria: Invitae Variant Classification Sherloc (09022015). Collection method: clinical testing. Allele origin: germline.
Comment: This sequence change replaces valine, which is neutral and non-polar, with alanine, which is neutral and non-polar, at codon 111 of the CTPS1 protein (p.Val111Ala). This variant is present in population databases (no rsID available, gnomAD 0.006%). This variant has not been reported in the literature in individuals affected with CTPS1-related conditions. Algorithms developed to predict the effect of missense changes on protein structure and function (SIFT, PolyPhen-2, Align-GVGD) all suggest that this variant is likely to be disruptive. In summary, the available evidence is currently insufficient to determine the role of this variant in disease. Therefore, it has been classified as a Variant of Uncertain Significance.

NM_001905.4(CTPS1):c.332T>C (p.Val111Ala)

Gene: CTPS1 (CTP synthase 1; plus strand). Cytogenetic location: 1p34.2.
Variant type: single nucleotide variant.
Coding change: c.332T>C on transcript NM_001905.4 (MANE Select); coding-DNA position 332, T replaced by C.
Protein change: p.Val111Ala; replaces valine 111 with alanine.
Molecular consequence: missense variant. On other transcripts: non-coding transcript variant (1).
Genome position (GRCh38, 1-based): chr1:40,984,986, T>C. VCF-style: chr1-40984986-T-C. GRCh37 (hg19) VCF-style: chr1-41450658-T-C.
Other names: short protein forms V111A.
Identifiers: ClinVar variation 2008599 (VCV002008599.4), dbSNP rs1396887884, ClinGen allele CA339901760.